The following is an entry in ClinVar:

ClinVar aggregate classification (germline): Conflicting classifications of pathogenicity. Review status: criteria provided, conflicting classifications (1 of 4 stars). 2 submissions from 2 submitters: Uncertain significance (1); Likely benign (1). Last evaluated 2026-01-26.

Allele frequency attached by ClinVar (database versions not stated): gnomAD exomes below 0.00001 and 0.00001; ExAC 0.00002; TOPMed 0.00002.
gnomAD v4.1: 2 of 1,613,906 alleles (0.00012%); highest among the groups gnomAD compares: African/African-American, 0.0027%; no homozygotes.

Submissions (2):

Labcorp Genetics (formerly Invitae), Labcorp
Classification: Likely benign. Last evaluated: 2026-01-26. Review status: criteria provided, single submitter. Criteria: Invitae Variant Classification Sherloc (09022015). Collection method: clinical testing. Allele origin: germline.

Laboratory for Molecular Medicine, Mass General Brigham Personalized Medicine
Classification: Uncertain significance. Last evaluated: 2018-01-30. Review status: criteria provided, single submitter. Criteria: LMM Criteria. Collection method: clinical testing. Allele origin: germline. Observed: 1 variant allele.
Comment: The p.Gln1315Lys variant in ADGRV1 has not been previously reported in individua ls with hearing loss or Usher syndrome, but was identified in 1/15284 African ch romosomes by the Genome Aggregation Database (gnomAD; dbSNP rs764685377). Although this variant has been seen in the general population, its frequency is not high enough to rule out a pathogenic role. Comp utational prediction tools and conservation analyses do not provide strong suppo rt for or against an impact to the protein. In summary, the clinical significanc e of the p.Gln1315Lys variant is uncertain. ACMG/AMP Criteria applied: PM2.

NM_032119.4(ADGRV1):c.3943C>A (p.Gln1315Lys)

Gene: ADGRV1 (adhesion G protein-coupled receptor V1; plus strand). Cytogenetic location: 5q14.3.
Variant type: single nucleotide variant.
Coding change: c.3943C>A on transcript NM_032119.4 (MANE Select); coding-DNA position 3943, C replaced by A.
Protein change: p.Gln1315Lys; replaces glutamine 1315 with lysine.
Molecular consequence: missense variant. On other transcripts: non-coding transcript variant (1).
Genome position (GRCh38, 1-based): chr5:90,653,517, C>A. VCF-style: chr5-90653517-C-A. GRCh37 (hg19) VCF-style: chr5-89949334-C-A.
Other names: short protein forms Q1315K.
Identifiers: ClinVar variation 504579 (VCV000504579.11), dbSNP rs764685377, ClinGen allele CA3339264.